The following is an entry in ClinVar:

ClinVar aggregate classification (germline): Uncertain significance (1 of 4 stars; one submission).

Conditions:
Cardiovascular phenotype. Identifiers: MedGen CN230736.

Submission:

Ambry Genetics
Classification: Uncertain significance for Cardiovascular phenotype. Last evaluated: 2022-06-22. Review status: criteria provided, single submitter. Criteria: Ambry Variant Classification Scheme 2023. Collection method: clinical testing. Allele origin: germline.
Comment: The p.L674M variant (also known as c.2020C>A), located in coding exon 17 of the BRAF gene, results from a C to A substitution at nucleotide position 2020. The leucine at codon 674 is replaced by methionine, an amino acid with highly similar properties. This amino acid position is conserved. In addition, the in silico prediction for this alteration is inconclusive. Since supporting evidence is limited at this time, the clinical significance of this alteration remains unclear.

NM_004333.6(BRAF):c.2020C>A (p.Leu674Met)

Gene: BRAF (B-Raf proto-oncogene, serine/threonine kinase; minus strand). Cytogenetic location: 7q34.
Variant type: single nucleotide variant.
Coding change: c.2020C>A on transcript NM_004333.6 (MANE Select); coding-DNA position 2020, C replaced by A.
Protein change: p.Leu674Met; replaces leucine 674 with methionine.
Molecular consequence: missense variant.
Genome position (GRCh38, 1-based): chr7:140,739,919, G>T on the plus strand (C>A on the coding strand, the complement: BRAF is on the minus strand). VCF-style: chr7-140739919-G-T. GRCh37 (hg19) VCF-style: chr7-140439719-G-T.
Other names: c.2020C>A, p.Leu674Met (NM_001354609.2, NM_001378468.1, NM_001378474.1); c.2140C>A, p.Leu714Met (NM_001374244.1, NM_001374258.1); c.2029C>A, p.Leu677Met (NM_001378467.1); c.1954C>A, p.Leu652Met (NM_001378469.1); c.1918C>A, p.Leu640Met (NM_001378470.1); c.1909C>A, p.Leu637Met (NM_001378471.1); c.1864C>A, p.Leu622Met (NM_001378472.1, NM_001378473.1); c.1756C>A, p.Leu586Met (NM_001378475.1); short protein forms L652M, L674M, L714M, L586M, L622M, L640M, L677M, L637M.
Identifiers: ClinVar variation 1784550 (VCV001784550.2), dbSNP rs2130900628, ClinGen allele CA369538481.
Genomic context (GRCh38, chr7:140,739,919, plus strand): 5'-CCATTAATCTCTTCATGGCTTTTGGACAGTTACTCCGTACCTTACTGAGATCTGGAGACA[G>T]GTATCCTCGTCCCACCATAAAAATTATCTGGAGAGAGAAAAAAAAGGGAAATAATTCAAC-3'
Protein context (NP_004324.2, residues 664-684): QIIFMVGRGY[Leu674Met]SPDLSKVRSN